The following is an entry in ClinVar:

ClinVar aggregate classification (germline): Uncertain significance (1 of 4 stars; one submission).

gnomAD v4.1: 1 of 1,614,136 alleles (0.000062%); highest among the groups gnomAD compares: Non-Finnish European, 0.000085%; no homozygotes.

Submission:

Labcorp Genetics (formerly Invitae), Labcorp
Classification: Uncertain significance. Last evaluated: 2025-07-29. Review status: criteria provided, single submitter. Criteria: Invitae Variant Classification Sherloc (09022015). Collection method: clinical testing. Allele origin: germline.
Comment: This sequence change replaces leucine, which is neutral and non-polar, with isoleucine, which is neutral and non-polar, at codon 3025 of the KMT2A protein (p.Leu3025Ile). This variant is present in population databases (no rsID available, gnomAD 0.0009%). This variant has not been reported in the literature in individuals affected with KMT2A-related conditions. ClinVar contains an entry for this variant (Variation ID: 3673391). Invitae Evidence Modeling of protein sequence and biophysical properties (such as structural, functional, and spatial information, amino acid conservation, physicochemical variation, residue mobility, and thermodynamic stability) indicates that this missense variant is not expected to disrupt KMT2A protein function with a negative predictive value of 95%. In summary, the available evidence is currently insufficient to determine the role of this variant in disease. Therefore, it has been classified as a Variant of Uncertain Significance.

NM_001197104.2(KMT2A):c.9073T>A (p.Leu3025Ile)

Gene: KMT2A (lysine methyltransferase 2A; plus strand). Cytogenetic location: 11q23.3.
Variant type: single nucleotide variant.
Coding change: c.9073T>A on transcript NM_001197104.2 (MANE Select); coding-DNA position 9073, T replaced by A.
Protein change: p.Leu3025Ile; replaces leucine 3025 with isoleucine.
Molecular consequence: missense variant.
Genome position (GRCh38, 1-based): chr11:118,504,965, T>A. VCF-style: chr11-118504965-T-A. GRCh37 (hg19) VCF-style: chr11-118375680-T-A.
Other names: c.9163T>A, p.Leu3055Ile (NM_001412597.1); c.9064T>A, p.Leu3022Ile (NM_005933.4); short protein forms L3022I, L3025I, L3055I.
Identifiers: ClinVar variation 3673391 (VCV003673391.2).